The following is an entry in ClinVar:

NM_000081.4(LYST):c.7229+3A>G

Gene: LYST (lysosomal trafficking regulator; minus strand). Cytogenetic location: 1q42.3.
Variant type: single nucleotide variant.
Coding change: c.7229+3A>G on transcript NM_000081.4 (MANE Select); 3 bases into the intron after coding-DNA position 7229, A replaced by G.
Molecular consequence: intron variant.
Genome position (GRCh38, 1-based): chr1:235,755,475, T>C on the plus strand (A>G on the coding strand, the complement: LYST is on the minus strand). VCF-style: chr1-235755475-T-C. GRCh37 (hg19) VCF-style: chr1-235918775-T-C.
Other names: c.7229+3A>G (NM_001301365.1).
Identifiers: ClinVar variation 714792 (VCV000714792.15), dbSNP rs529306869, ClinGen allele CA1466200.

ClinVar aggregate classification (germline): Likely benign. Review status: criteria provided, multiple submitters, no conflicts (2 of 4 stars). 4 submissions from 4 submitters: Likely benign (3). 1 of the submissions does not count toward it. Last evaluated 2025-12-18.

Conditions:
Autoinflammatory syndrome. Identifiers: Orphanet 93665, MedGen C3890737, MONDO:0019751.
Chédiak-Higashi syndrome (CHS). Also called: Chediak-Higashi Syndrome. Identifiers: Orphanet 167, MedGen C0007965, MONDO:0008963, OMIM 214500.
LYST-related disorder. Also called: LYST-related condition.

Allele frequency attached by ClinVar (database versions not stated): TOPMed 0.00002; gnomAD 0.00015; gnomAD exomes 0.00036 and 0.00074; 1000 Genomes Project 0.00060; 1000 Genomes Project 30x 0.00062; ExAC 0.00089.
gnomAD v4.1: 545 of 1,609,012 alleles (0.034%); highest among the groups gnomAD compares: South Asian, 0.58%; 4 homozygotes.

Submissions (4):

Labcorp Genetics (formerly Invitae), Labcorp
Classification: Likely benign for Chédiak-Higashi syndrome. Last evaluated: 2025-12-18. Review status: criteria provided, single submitter. Criteria: Invitae Variant Classification Sherloc (09022015). Collection method: clinical testing. Allele origin: germline.

Blueprint Genetics
Classification: Likely benign. Last evaluated: 2024-09-02. Review status: criteria provided, single submitter. Criteria: ACMG Guidelines, 2015. Collection method: clinical testing. Allele origin: germline.

Genome Diagnostics Laboratory, The Hospital for Sick Children
Classification: Likely benign for Autoinflammatory syndrome. Last evaluated: 2016-12-12. Review status: criteria provided, single submitter. Criteria: ACMG Guidelines, 2015. Collection method: clinical testing. Allele origin: germline. Affected: yes.

PreventionGenetics, part of Exact Sciences
Classification: Likely benign for LYST-related condition. Last evaluated: 2024-08-06. Review status: no assertion criteria provided. Collection method: clinical testing. Allele origin: germline. Not counted in ClinVar's aggregate classification.
Comment: This variant is classified as likely benign based on ACMG/AMP sequence variant interpretation guidelines (Richards et al. 2015 PMID: 25741868, with internal and published modifications).